The following is an entry in ClinVar:

ClinVar aggregate classification (germline): Uncertain significance (1 of 4 stars; one submission).

Submission:

Ambry Genetics
Classification: Uncertain significance. Last evaluated: 2024-10-24. Review status: criteria provided, single submitter. Criteria: Ambry Variant Classification Scheme 2023. Collection method: clinical testing. Allele origin: germline.
Comment: The c.53G>C (p.G18A) alteration is located in exon (coding exon ) of the KRTAP5-4 gene. This alteration results from a G to C substitution at nucleotide position 53, causing the glycine (G) at amino acid position 18 to be replaced by an alanine (A). Based on insufficient or conflicting evidence, the clinical significance of this alteration remains unclear.

NM_001347674.1(KRTAP5-4):c.53G>C (p.Gly18Ala)

Gene: KRTAP5-4 (keratin associated protein 5-4; minus strand). Cytogenetic location: 11p15.5.
Variant type: single nucleotide variant.
Coding change: c.53G>C on transcript NM_001347674.1 (MANE Select); coding-DNA position 53, G replaced by C.
Protein change: p.Gly18Ala; replaces glycine 18 with alanine.
Molecular consequence: missense variant.
Genome position (GRCh38, 1-based): chr11:1,622,041, C>G on the plus strand (G>C on the coding strand, the complement: KRTAP5-4 is on the minus strand). VCF-style: chr11-1622041-C-G. GRCh37 (hg19) VCF-style: chr11-1643271-C-G.
Other names: c.53G>C (NM_001012709.1); short protein forms G18A.
Identifiers: ClinVar variation 3536587 (VCV003536587.1).